The following is an entry in ClinVar:

NM_001330723.2(SNX27):c.1240-7_1240-3del

Gene: SNX27 (sorting nexin 27; plus strand). Cytogenetic location: 1q21.3.
Variant type: Deletion.
Coding change: c.1240-7_1240-3del on transcript NM_001330723.2 (MANE Select); 7 bases into the intron before coding-DNA position 1240 through 3 bases into the intron before coding-DNA position 1240, 5 bases deleted (TTTTT; older notation c.1240-7_1240-3delTTTTT).
Molecular consequence: intron variant.
Genome position (GRCh38, 1-based): chr1:151,692,428-151,692,432, TTTTT deleted; deleting any 5 consecutive bases within chr1:151,692,407-151,692,432 gives the same sequence; the c. name uses the placement nearest the transcript's 3' end. VCF-style (leftmost placement, unchanged base first): chr1-151692406-CTTTTT-C. GRCh37 (hg19) VCF-style: chr1-151664882-CTTTTT-C.
Other names: c.1240-7_1240-3del (NM_030918.6); c.682-7_682-3del (NM_001437607.1, NM_001437608.1); c.931-7_931-3del (NM_001437604.1, NM_001437602.1); c.937-7_937-3del (NM_001437603.1, NM_001437601.1); c.877-7_877-3del (NM_001437606.1, NM_001437605.1).
Identifiers: ClinVar variation 4872914 (VCV004872914.2).

ClinVar aggregate classification (germline): Likely benign (1 of 4 stars; one submission).

Submission:

CeGaT Center for Human Genetics Tuebingen
Classification: Likely benign. Last evaluated: 2026-04-01. Review status: criteria provided, single submitter. Criteria: CeGaT Center For Human Genetics Tuebingen Variant Classification Criteria Version 2. Collection method: clinical testing. Allele origin: germline. Affected: yes. Observed: 1 variant allele.
Comment: SNX27: BP4